The following is an entry in ClinVar:

ClinVar aggregate classification (germline): Uncertain significance. Review status: criteria provided, multiple submitters, no conflicts (2 of 4 stars). 2 submissions from 2 submitters: Uncertain significance (2). Last evaluated 2024-11-15.

Conditions:
Inborn genetic diseases. Identifiers: MedGen C0950123, MeSH D030342.

gnomAD v4.1: 1 of 1,613,938 alleles (0.000062%); highest among the groups gnomAD compares: African/African-American, 0.0013%; no homozygotes.

Submissions (2):

Ambry Genetics
Classification: Uncertain significance for Inborn genetic diseases. Last evaluated: 2024-11-15. Review status: criteria provided, single submitter. Criteria: Ambry Variant Classification Scheme 2023. Collection method: clinical testing. Allele origin: germline.

Labcorp Genetics (formerly Invitae), Labcorp
Classification: Uncertain significance. Last evaluated: 2024-04-17. Review status: criteria provided, single submitter. Criteria: Invitae Variant Classification Sherloc (09022015). Collection method: clinical testing. Allele origin: germline.
Comment: This sequence change replaces aspartic acid, which is acidic and polar, with glycine, which is neutral and non-polar, at codon 1015 of the SETD5 protein (p.Asp1015Gly). This variant is not present in population databases (gnomAD no frequency). This variant has not been reported in the literature in individuals affected with SETD5-related conditions. ClinVar contains an entry for this variant (Variation ID: 1718173). Advanced modeling of protein sequence and biophysical properties (such as structural, functional, and spatial information, amino acid conservation, physicochemical variation, residue mobility, and thermodynamic stability) performed at Invitae indicates that this missense variant is not expected to disrupt SETD5 protein function with a negative predictive value of 80%. In summary, the available evidence is currently insufficient to determine the role of this variant in disease. Therefore, it has been classified as a Variant of Uncertain Significance.

NM_001080517.3(SETD5):c.3044A>G (p.Asp1015Gly)

Gene: SETD5 (SET domain containing 5; plus strand). Cytogenetic location: 3p25.3.
Variant type: single nucleotide variant.
Coding change: c.3044A>G on transcript NM_001080517.3 (MANE Select); coding-DNA position 3044, A replaced by G.
Protein change: p.Asp1015Gly; replaces aspartic acid 1015 with glycine.
Molecular consequence: missense variant.
Genome position (GRCh38, 1-based): chr3:9,470,778, A>G. VCF-style: chr3-9470778-A-G. GRCh37 (hg19) VCF-style: chr3-9512462-A-G.
Other names: c.2750A>G, p.Asp917Gly (NM_001292043.2, NM_001349451.2); c.3044A>G (NM_001080517.1); short protein forms D1015G, D917G.
Identifiers: ClinVar variation 1718173 (VCV001718173.6), dbSNP rs2473810719, ClinGen allele CA351681854.
Genomic context (GRCh38, chr3:9,470,778, plus strand): 5'-GAGCAGATGGACTGTATCGAGGATCTCCTCTAGTGGGGGATAGGAAGCCTTTACATTTGG[A>G]TGGGGGATATTGTTCCCCTGCAGAAGGATTTTCCAGCAGATATGAACATGGCTTAATGAA-3'
Protein context (NP_001073986.1, residues 1005-1025): LVGDRKPLHL[Asp1015Gly]GGYCSPAEGF